The following is an entry in ClinVar:

NM_014915.3(ANKRD26):c.517G>A (p.Glu173Lys)

Gene: ANKRD26 (ankyrin repeat domain containing 26; minus strand). Cytogenetic location: 10p12.1.
Variant type: single nucleotide variant.
Coding change: c.517G>A on transcript NM_014915.3 (MANE Select); coding-DNA position 517, G replaced by A.
Protein change: p.Glu173Lys; replaces glutamic acid 173 with lysine.
Molecular consequence: missense variant.
Genome position (GRCh38, 1-based): chr10:27,093,363, C>T on the plus strand (G>A on the coding strand, the complement: ANKRD26 is on the minus strand). VCF-style: chr10-27093363-C-T. GRCh37 (hg19) VCF-style: chr10-27382292-C-T.
Other names: c.517G>A, p.Glu173Lys (NM_001256053.2); short protein forms E173K.
Identifiers: ClinVar variation 3397019 (VCV003397019.1).

ClinVar aggregate classification (germline): Uncertain significance (1 of 4 stars; one submission).

Conditions:
Inborn genetic diseases. Identifiers: MedGen C0950123, MeSH D030342.

Submission:

Ambry Genetics
Classification: Uncertain significance for Inborn genetic diseases. Last evaluated: 2024-12-02. Review status: criteria provided, single submitter. Criteria: Ambry Variant Classification Scheme 2023. Collection method: clinical testing. Allele origin: germline.
Comment: The p.E173K variant (also known as c.517G>A), located in coding exon 3 of the ANKRD26 gene, results from a G to A substitution at nucleotide position 517. The glutamic acid at codon 173 is replaced by lysine, an amino acid with similar properties. This amino acid position is conserved. In addition, this alteration is predicted to be tolerated by in silico analysis. Based on the available evidence, the clinical significance of this variant remains unclear.